The following is an entry in ClinVar:

NM_001352514.2(HLCS):c.436del (p.Ala146fs)

Gene: HLCS (holocarboxylase synthetase; minus strand). Cytogenetic location: 21q22.13.
Variant type: Deletion.
Coding change: c.436del on transcript NM_001352514.2 (MANE Select); coding-DNA position 436, one base deleted (G; older notation c.436delG).
Protein change: p.Ala146fs; shifts the reading frame from alanine 146.
Molecular consequence: frameshift variant. On other transcripts: 5 prime UTR variant (7), non-coding transcript variant (2).
Genome position (GRCh38, 1-based): chr21:36,938,889, C deleted on the plus strand (G on the coding strand, the reverse complement: HLCS is on the minus strand); the first of 2 consecutive C bases (chr21:36,938,889-36,938,890); deleting either gives the same sequence. VCF-style (leftmost placement, unchanged base first): chr21-36938888-GC-G. GRCh37 (hg19) VCF-style: chr21-38311188-GC-G.
Other names: c.-6del (NM_000411.8, NM_001242784.3, NM_001242785.2 and 4 more transcripts); short protein forms A146fs.
Identifiers: ClinVar variation 5006417 (VCV005006417.2).

ClinVar aggregate classification (germline): Likely pathogenic (1 of 4 stars; one submission).

Conditions:
Holocarboxylase synthetase deficiency. Also called: MULTIPLE CARBOXYLASE DEFICIENCY, EARLY ONSET. Identifiers: Orphanet 79242, MedGen C0268581, MONDO:0009666, OMIM 253270.

Submission:

Juno Genomics, Hangzhou Juno Genomics, Inc
Classification: Likely pathogenic for Holocarboxylase synthetase deficiency. Review status: criteria provided, single submitter. Criteria: ACMG Guidelines, 2015. Collection method: clinical testing. Allele origin: germline.
Comment: Null variant in a gene where loss of function (LOF) is a known mechanism of disease.;Absent from controls (or at extremely low frequency if recessive) in Genome Aggregation Database.